The following is an entry in ClinVar:

ClinVar aggregate classification (germline): Likely benign (0 of 4 stars; one submission).

Allele frequency attached by ClinVar (database versions not stated): TOPMed 0.00001.

Submission:

Leiden Open Variation Database
Classification: Likely benign. Last evaluated: 2012-08-31. Review status: no assertion criteria provided. Collection method: curation. Allele origin: germline. Affected: yes.
Comment: Curator: Arleen D. Auerbach. Submitter to LOVD: Janine Bakker.

Literature cited by the submitters: PubMed 22911665.

NM_032444.4(SLX4):c.1517G>A (p.Ser506Asn)

Gene: SLX4 (SLX4 structure-specific endonuclease subunit; minus strand). Cytogenetic location: 16p13.3.
Variant type: single nucleotide variant.
Coding change: c.1517G>A on transcript NM_032444.4 (MANE Select); coding-DNA position 1517, G replaced by A.
Protein change: p.Ser506Asn; replaces serine 506 with asparagine.
Molecular consequence: missense variant.
Genome position (GRCh38, 1-based): chr16:3,597,545, C>T on the plus strand (G>A on the coding strand, the complement: SLX4 is on the minus strand). VCF-style: chr16-3597545-C-T. GRCh37 (hg19) VCF-style: chr16-3647546-C-T.
Other names: short protein forms S506N.
Identifiers: ClinVar variation 929619 (VCV000929619.1), dbSNP rs765859186, ClinGen allele CA394528909.
Genomic context (GRCh38, chr16:3,597,545, plus strand): 5'-TTGCGTTCAGGTGGAGGAGGACACTGGCCCGCTCTTTCCCACCCTTCCTTTAAAATCCTG[C>T]TGGCAGGAAGTGGTGGCGTGCTAGACAATTCCACTTCCTCAGAGAGGAGCAGGGCCACAC-3'
Protein context (NP_115820.2, residues 496-516): ELSSTPPLPA[Ser506Asn]RILKEGWERA